The following is an entry in ClinVar:

ClinVar aggregate classification (germline): Uncertain significance. Review status: criteria provided, multiple submitters, no conflicts (2 of 4 stars). 3 submissions from 3 submitters: Uncertain significance (3). Last evaluated 2026-07-02.

Conditions:
Hereditary cancer-predisposing syndrome. Also called: Neoplastic Syndromes, Hereditary; Hereditary neoplastic syndrome; Hereditary Cancer Syndrome; Tumor predisposition. Identifiers: Orphanet 140162, MedGen C0027672, MeSH D009386, MONDO:0015356.

Submissions (3):

Ambry Genetics
Classification: Uncertain significance for Hereditary cancer-predisposing syndrome. Last evaluated: 2026-07-02. Review status: criteria provided, single submitter. Criteria: Ambry Variant Classification Scheme 2023. Collection method: clinical testing. Allele origin: germline.
Comment: The p.E908G variant (also known as c.2723A>G), located in coding exon 4 of the MSH6 gene, results from an A to G substitution at nucleotide position 2723. The glutamic acid at codon 908 is replaced by glycine, an amino acid with similar properties. This amino acid position is conserved. In addition, this alteration is predicted to be deleterious by in silico analysis. Based on the available evidence, the clinical significance of this variant remains unclear.

Blueprint Genetics
Classification: Uncertain significance. Last evaluated: 2023-12-29. Review status: criteria provided, single submitter. Criteria: ACMG Guidelines, 2015. Collection method: clinical testing. Allele origin: germline.

Color Diagnostics, LLC DBA Color Health
Classification: Uncertain significance for Hereditary cancer-predisposing syndrome. Last evaluated: 2023-12-05. Review status: criteria provided, single submitter. Criteria: ACMG Guidelines, 2015. Collection method: clinical testing. Allele origin: germline.
Comment: This missense variant replaces glutamic acid with glycine at codon 908 of the MSH6 protein. Computational prediction suggests that this variant may have deleterious impact on protein structure and function (internally defined REVEL score threshold >= 0.7, PMID: 27666373). To our knowledge, functional studies have not been reported for this variant. This variant has not been reported in individuals affected with MSH6-related disorders in the literature. This variant has not been identified in the general population by the Genome Aggregation Database (gnomAD). The available evidence is insufficient to determine the role of this variant in disease conclusively. Therefore, this variant is classified as a Variant of Uncertain Significance.

NM_000179.3(MSH6):c.2723A>G (p.Glu908Gly)

Gene: MSH6 (mutS homolog 6; plus strand). Cytogenetic location: 2p16.3.
Variant type: single nucleotide variant.
Coding change: c.2723A>G on transcript NM_000179.3 (MANE Select); coding-DNA position 2723, A replaced by G.
Protein change: p.Glu908Gly; replaces glutamic acid 908 with glycine.
Molecular consequence: missense variant.
Genome position (GRCh38, 1-based): chr2:47,800,706, A>G. VCF-style: chr2-47800706-A-G. GRCh37 (hg19) VCF-style: chr2-48027845-A-G.
Other names: c.2333A>G, p.Glu778Gly (NM_001281492.2); c.1817A>G, p.Glu606Gly (NM_001281493.2, NM_001281494.2); short protein forms E908G, E606G, E778G.
Identifiers: ClinVar variation 489992 (VCV000489992.8), dbSNP rs1553414065, ClinGen allele CA346755362.
Genomic context (GRCh38, chr2:47,800,706, plus strand): 5'-AGCAGGTCATCTCTCTGCAGACAAAAAATCCTGAAGGTCGTTTTCCTGATTTGACTGTAG[A>G]ATTGAACCGATGGGATACAGCCTTTGACCATGAAAAGGCTCGAAAGACTGGACTTATTAC-3'
Protein context (NP_000170.1, residues 898-918): PEGRFPDLTV[Glu908Gly]LNRWDTAFDH